The following is an entry in ClinVar:

NM_006059.4(LAMC3):c.1924G>A (p.Gly642Ser)

Gene: LAMC3 (laminin subunit gamma 3; plus strand). Cytogenetic location: 9q34.12.
Variant type: single nucleotide variant.
Coding change: c.1924G>A on transcript NM_006059.4 (MANE Select); coding-DNA position 1924, G replaced by A.
Protein change: p.Gly642Ser; replaces glycine 642 with serine.
Molecular consequence: missense variant.
Genome position (GRCh38, 1-based): chr9:131,052,950, G>A. VCF-style: chr9-131052950-G-A. GRCh37 (hg19) VCF-style: chr9-133928337-G-A.
Other names: c.1924G>A (NM_006059.3); short protein forms G642S.
Identifiers: ClinVar variation 1420286 (VCV001420286.4), dbSNP rs150699964, ClinGen allele CA5287268.
Genomic context (GRCh38, chr9:131,052,950, plus strand): 5'-CCCTTCCACTTCCAGCGGCTCCTCGCCAACCTGACCAGCCTCCGCCTCCGCGTCAGTCCC[G>A]GCCCCAGCCCTGCCGGTCAGTAAAGACAACCACATGCCCAAGACCCGAGTGCTTGCCAGG-3'
Protein context (NP_006050.3, residues 632-652): LTSLRLRVSP[Gly642Ser]PSPAGPVFLT

ClinVar aggregate classification (germline): Conflicting classifications of pathogenicity. Review status: criteria provided, conflicting classifications (1 of 4 stars). 2 submissions from 2 submitters: Uncertain significance (1); Likely benign (1). Last evaluated 2024-05-01.

Conditions:
Inborn genetic diseases. Identifiers: MedGen C0950123, MeSH D030342.

Allele frequency attached by ClinVar (database versions not stated): ExAC 0.00012; 1000 Genomes Project 30x 0.00016; 1000 Genomes Project 0.00020; gnomAD 0.00040 and 0.00044; TOPMed 0.00042; ESP Exome Variant Server 0.00054.
gnomAD v4.1: 171 of 1,612,960 alleles (0.011%); highest among the groups gnomAD compares: African/African-American, 0.13%; 1 homozygote.

Submissions (2):

Ambry Genetics
Classification: Likely benign for Inborn genetic diseases. Last evaluated: 2024-05-01. Review status: criteria provided, single submitter. Criteria: Ambry Variant Classification Scheme 2023. Collection method: clinical testing. Allele origin: germline.

Labcorp Genetics (formerly Invitae), Labcorp
Classification: Uncertain significance. Last evaluated: 2022-09-07. Review status: criteria provided, single submitter. Criteria: Invitae Variant Classification Sherloc (09022015). Collection method: clinical testing. Allele origin: germline.
Comment: This sequence change replaces glycine, which is neutral and non-polar, with serine, which is neutral and polar, at codon 642 of the LAMC3 protein (p.Gly642Ser). This variant is present in population databases (rs150699964, gnomAD 0.1%). This variant has not been reported in the literature in individuals affected with LAMC3-related conditions. ClinVar contains an entry for this variant (Variation ID: 1420286). Algorithms developed to predict the effect of missense changes on protein structure and function output the following: SIFT: "Tolerated"; PolyPhen-2: "Benign"; Align-GVGD: "Class C0". The serine amino acid residue is found in multiple mammalian species, which suggests that this missense change does not adversely affect protein function. In summary, the available evidence is currently insufficient to determine the role of this variant in disease. Therefore, it has been classified as a Variant of Uncertain Significance.